The following is an entry in ClinVar:

ClinVar aggregate classification (germline): Uncertain significance (1 of 4 stars; one submission).

Conditions:
Cardiovascular phenotype. Identifiers: MedGen CN230736.

Submission:

Ambry Genetics
Classification: Uncertain significance for Cardiovascular phenotype. Last evaluated: 2025-10-29. Review status: criteria provided, single submitter. Criteria: Ambry Variant Classification Scheme 2023. Collection method: clinical testing. Allele origin: germline.
Comment: The p.D190G variant (also known as c.569A>G), located in coding exon 7 of the CACNA2D1 gene, results from an A to G substitution at nucleotide position 569. The aspartic acid at codon 190 is replaced by glycine, an amino acid with similar properties. This amino acid position is conserved. In addition, this alteration is predicted to be tolerated by in silico analysis. Based on the available evidence, the clinical significance of this variant remains unclear.

NM_000722.4(CACNA2D1):c.569A>G (p.Asp190Gly)

Gene: CACNA2D1 (calcium voltage-gated channel auxiliary subunit alpha2delta 1; minus strand). Cytogenetic location: 7q21.11.
Variant type: single nucleotide variant.
Coding change: c.569A>G on transcript NM_000722.4 (MANE Select); coding-DNA position 569, A replaced by G.
Protein change: p.Asp190Gly; replaces aspartic acid 190 with glycine.
Molecular consequence: missense variant.
Genome position (GRCh38, 1-based): chr7:82,084,858, T>C on the plus strand (A>G on the coding strand, the complement: CACNA2D1 is on the minus strand). VCF-style: chr7-82084858-T-C. GRCh37 (hg19) VCF-style: chr7-81714174-T-C.
Other names: c.569A>G, p.Asp190Gly (NM_001302890.2, NM_001366867.1); short protein forms D190G.
Identifiers: ClinVar variation 4613774 (VCV004613774.1).